The following is an entry in ClinVar:

NM_001875.5(CPS1):c.1197del (p.Gly401fs)

Gene: CPS1 (carbamoyl-phosphate synthase 1; plus strand). Cytogenetic location: 2q34.
Variant type: Deletion.
Coding change: c.1197del on transcript NM_001875.5 (MANE Select); coding-DNA position 1197, one base deleted (G; older notation c.1197delG).
Protein change: p.Gly401fs; shifts the reading frame from glycine 401.
Molecular consequence: frameshift variant. On other transcripts: non-coding transcript variant (2).
Genome position (GRCh38, 1-based): chr2:210,594,540, G deleted. VCF-style (leftmost placement, unchanged base first): chr2-210594539-AG-A. GRCh37 (hg19) VCF-style: chr2-211459263-AG-A.
Other names: c.1197del, p.Gly401fs (NM_001122633.3, NM_001369257.1); c.1230del, p.Gly412fs (NM_001369256.1); short protein forms G401fs, G412fs.
Identifiers: ClinVar variation 2700099 (VCV002700099.3), dbSNP rs2469133074, ClinGen allele CA2697550354.
Genomic context (GRCh38, chr2:210,594,539, plus strand): 5'-TCTAACTAGTTGGTTGTATTTTTTTCTAGTACCTGTTTGATTCCTTTTTCTCACTGATAA[AG>A]AAAGGAAAAGCTACCACCATTACATCAGTCTTACCGAAGCCAGCACTAGTTGCATCTCGG-3'

ClinVar aggregate classification (germline): Pathogenic (1 of 4 stars; one submission).

Conditions:
Congenital hyperammonemia, type I. Also called: Carbamoyl phosphate synthetase 1 deficiency; Hyperammonemia due to carbamoyl phosphate synthetase 1 deficiency; CPS 1 deficiency; Carbamyl phosphate synthetase (CPS) deficiency; Carbamoyl-phosphate synthase I deficiency; CPS I DEFICIENCY. Identifiers: Orphanet 147, MedGen C4082171, MONDO:0009376, OMIM 237300.

Submission:

Labcorp Genetics (formerly Invitae), Labcorp
Classification: Pathogenic for Congenital hyperammonemia, type I. Last evaluated: 2023-12-01. Review status: criteria provided, single submitter. Criteria: Invitae Variant Classification Sherloc (09022015). Collection method: clinical testing. Allele origin: germline.
Comment: This sequence change creates a premature translational stop signal (p.Gly401Glufs*15) in the CPS1 gene. It is expected to result in an absent or disrupted protein product. Loss-of-function variants in CPS1 are known to be pathogenic (PMID: 21120950). This variant is not present in population databases (gnomAD no frequency). This variant has not been reported in the literature in individuals affected with CPS1-related conditions. For these reasons, this variant has been classified as Pathogenic.

Literature cited by the submitters: PubMed 21120950.